The following is an entry in ClinVar:

ClinVar aggregate classification (germline): Uncertain significance (1 of 4 stars; one submission).

Conditions:
3-methylglutaconic aciduria type 1 (MGCA1). Identifiers: Orphanet 67046, MedGen C0342727, MONDO:0009610, OMIM 250950.

Allele frequency attached by ClinVar (database versions not stated): TOPMed 0.00001.

Submission:

Labcorp Genetics (formerly Invitae), Labcorp
Classification: Uncertain significance for 3-methylglutaconic aciduria type 1. Last evaluated: 2022-09-13. Review status: criteria provided, single submitter. Criteria: Invitae Variant Classification Sherloc (09022015). Collection method: clinical testing. Allele origin: germline.
Comment: This sequence change replaces glutamine, which is neutral and polar, with histidine, which is basic and polar, at codon 260 of the AUH protein (p.Gln260His). This variant is not present in population databases (gnomAD no frequency). This variant has not been reported in the literature in individuals affected with AUH-related conditions. Advanced modeling of protein sequence and biophysical properties (such as structural, functional, and spatial information, amino acid conservation, physicochemical variation, residue mobility, and thermodynamic stability) performed at Invitae indicates that this missense variant is not expected to disrupt AUH protein function. In summary, the available evidence is currently insufficient to determine the role of this variant in disease. Therefore, it has been classified as a Variant of Uncertain Significance.

NM_001698.3(AUH):c.780G>C (p.Gln260His)

Gene: AUH (AU RNA binding methylglutaconyl-CoA hydratase; minus strand). Cytogenetic location: 9q22.31.
Variant type: single nucleotide variant.
Coding change: c.780G>C on transcript NM_001698.3 (MANE Select); coding-DNA position 780, G replaced by C.
Protein change: p.Gln260His; replaces glutamine 260 with histidine.
Molecular consequence: missense variant.
Genome position (GRCh38, 1-based): chr9:91,220,868, C>G on the plus strand (G>C on the coding strand, the complement: AUH is on the minus strand). VCF-style: chr9-91220868-C-G. GRCh37 (hg19) VCF-style: chr9-93983150-C-G.
Other names: c.693G>C, p.Gln231His (NM_001306190.2); c.453G>C, p.Gln151His (NM_001351431.2, NM_001351432.2, NM_001351433.2); short protein forms Q151H, Q260H, Q231H.
Identifiers: ClinVar variation 2002874 (VCV002002874.1), dbSNP rs902585941, ClinGen allele CA195893135.
Genomic context (GRCh38, chr9:91,220,868, plus strand): 5'-AGGTAAAAACTCTCTCGCCAGGTCCAAGGCCTTCCTGTAGGCCGCGTCTCCCTCCTGGTT[C>G]TGTTCCAGAACGTGGCTGATTAAGCCCACTGCTTTGGCTTCTTTGCCATCGAGGACTCGC-3'
Protein context (NP_001689.1, residues 250-270): AVGLISHVLE[Gln260His]NQEGDAAYRK